The following is an entry in ClinVar:

NM_001377.3(DYNC2H1):c.9440+255_9440+257dup

Gene: DYNC2H1 (dynein cytoplasmic 2 heavy chain 1; plus strand). Cytogenetic location: 11q22.3.
Variant type: Duplication.
Coding change: c.9440+255_9440+257dup on transcript NM_001377.3 (MANE Select); bases 255 to 257 of the intron after coding-DNA position 9440, 3 bases duplicated (TTA; older notation c.9440+255_9440+257dupTTA).
Molecular consequence: intron variant.
Genome position (GRCh38, 1-based): chr11:103,231,601-103,231,603, TTA duplicated; duplicating any 3 consecutive bases within chr11:103,231,599-103,231,603 gives the same sequence; the c. name uses the placement nearest the transcript's 3' end. VCF-style (leftmost placement, unchanged base first): chr11-103231598-A-ATAT. GRCh37 (hg19) VCF-style: chr11-103102327-A-ATAT.
Other names: c.9440+255_9440+257dup (NM_001080463.2).
Identifiers: ClinVar variation 669452 (VCV000669452.1), dbSNP rs5794215, ClinGen allele CA227407671.

ClinVar aggregate classification (germline): Benign (1 of 4 stars; one submission).

Submission:

GeneDx
Classification: Benign. Last evaluated: 2018-06-14. Review status: criteria provided, single submitter. Criteria: GeneDx Variant Classification (06012015). Collection method: clinical testing. Allele origin: germline. Affected: yes.
Comment: This variant is considered likely benign or benign based on one or more of the following criteria: it is a conservative change, it occurs at a poorly conserved position in the protein, it is predicted to be benign by multiple in silico algorithms, and/or has population frequency not consistent with disease.